The following is an entry in ClinVar:

NM_001267550.2(TTN):c.97141_97145del (p.Leu32381fs)

Genes: TTN-AS1 (TTN antisense RNA 1; plus strand), TTN (titin; minus strand). Cytogenetic location: 2q31.2.
Variant type: Microsatellite.
Coding change: c.97141_97145del on transcript NM_001267550.2 (MANE Select); coding-DNA positions 97141 to 97145, 5 bases deleted (TTGAA; older notation c.97141_97145delTTGAA).
Protein change: p.Leu32381fs; shifts the reading frame from leucine 32381.
Molecular consequence: frameshift variant.
Genome position (GRCh38, 1-based): chr2:178,542,709-178,542,713, TTCAA deleted on the plus strand (TTGAA on the coding strand, the reverse complement: TTN is on the minus strand); deleting any 5 consecutive bases within chr2:178,542,709-178,542,718 gives the same sequence; the c. name uses the placement nearest the transcript's 3' end. VCF-style (leftmost placement, unchanged base first): chr2-178542708-CTTCAA-C. GRCh37 (hg19) VCF-style: chr2-179407435-CTTCAA-C.
Other names: c.92218_92222del, p.Leu30740fs (NM_001256850.1); c.69946_69950del, p.Leu23316fs (NM_003319.4); c.89437_89441del, p.Leu29813fs (NM_133378.4); c.70321_70325del, p.Leu23441fs (NM_133432.3); c.70522_70526del, p.Leu23508fs (NM_133437.4); short protein forms L23316fs, L23441fs, L23508fs, L29813fs, L30740fs, L32381fs.
Identifiers: ClinVar variation 2574067 (VCV002574067.1), dbSNP rs2468900942, ClinGen allele CA2697551405.

ClinVar aggregate classification (germline): Likely pathogenic (0 of 4 stars; one submission).

Conditions:
Dilated cardiomyopathy 1G (CMD1G). Identifiers: Orphanet 154, MedGen C1858763, MONDO:0011400, OMIM 604145.

Submission:

deCODE genetics, Amgen
Classification: Likely pathogenic for Dilated cardiomyopathy 1G. Last evaluated: 2023-07-21. Review status: no assertion criteria provided. Collection method: research. Allele origin: germline. Affected: yes. Observed: 1 variant allele.
Comment: The variant NM_001267550.2:c.97141_97145del (chr2:178542708) in TTN was detected in 1 heterozygote out of 58K WGS Icelanders (MAF= 0,001%). This variant has not been reported in ClinVar previously. Based on ACMG criteria (PVS1, PM2) this variant classifies as likely pathogenic.